The following is an entry in ClinVar:

ClinVar aggregate classification (germline): Likely benign. Review status: criteria provided, multiple submitters, no conflicts (2 of 4 stars). 5 submissions from 4 submitters: Likely benign (5). Last evaluated 2026-01-25.

Conditions:
DNA ligase IV deficiency. Identifiers: Orphanet 99812, MedGen C1847827, MONDO:0011686, OMIM 606593.
Severe combined immunodeficiency due to DCLRE1C deficiency (RS-SCID). Also called: SCID, AUTOSOMAL RECESSIVE, T CELL-NEGATIVE, B CELL-NEGATIVE, NK CELL-POSITIVE, WITH SENSITIVITY TO IONIZING RADIATION. Identifiers: Orphanet 275, MedGen C1865371, MONDO:0011225, OMIM 602450.

Allele frequency attached by ClinVar (database versions not stated): gnomAD 0.00017 and 0.00014; ExAC 0.00032; gnomAD exomes 0.00034 and 0.00011; 1000 Genomes Project 0.00040; 1000 Genomes Project 30x 0.00047; TOPMed 0.00017.
gnomAD v4.1: 181 of 1,614,190 alleles (0.011%); highest among the groups gnomAD compares: East Asian, 0.39%; 1 homozygote.

Submissions (5):

Labcorp Genetics (formerly Invitae), Labcorp
Classification: Likely benign for DNA ligase IV deficiency. Last evaluated: 2026-01-25. Review status: criteria provided, single submitter. Criteria: Invitae Variant Classification Sherloc (09022015). Collection method: clinical testing. Allele origin: germline.

Blueprint Genetics
Classification: Likely benign. Last evaluated: 2024-11-27. Review status: criteria provided, single submitter. Criteria: ACMG Guidelines, 2015. Collection method: clinical testing. Allele origin: germline.

Genetic Services Laboratory, University of Chicago
Classification: Likely benign. Last evaluated: 2021-11-21. Review status: criteria provided, single submitter. Criteria: ACMG Guidelines, 2015. Collection method: clinical testing. Allele origin: germline. Affected: no.

Illumina Laboratory Services, Illumina
Classification: Likely benign for DNA ligase IV deficiency. Last evaluated: 2018-01-13. Review status: criteria provided, single submitter. Criteria: ICSL Variant Classification Criteria 13 December 2019. Collection method: clinical testing. Allele origin: germline.
Comment: This variant was observed in the ICSL laboratory as part of a predisposition screen in an ostensibly healthy population. It had not been previously curated by ICSL or reported in the Human Gene Mutation Database (HGMD: prior to June 1st, 2018), and was therefore a candidate for classification through an automated scoring system. Utilizing variant allele frequency, disease prevalence and penetrance estimates, and inheritance mode, an automated score was calculated to assess if this variant is too frequent to cause the disease. Based on the score and internal cut-off values, a variant classified as likely benign is not then subjected to further curation. The score for this variant resulted in a classification of likely benign for this disease.

Illumina Laboratory Services, Illumina
Classification: Likely benign for Severe combined immunodeficiency due to DCLRE1C deficiency. Last evaluated: 2018-01-13. Review status: criteria provided, single submitter. Criteria: ICSL Variant Classification Criteria 13 December 2019. Collection method: clinical testing. Allele origin: germline.
Comment: the same text as in the submission from Illumina Laboratory Services, Illumina above.

NM_206937.2(LIG4):c.2518A>G (p.Ile840Val)

Gene: LIG4 (DNA ligase 4; minus strand). Cytogenetic location: 13q33.3.
Variant type: single nucleotide variant.
Coding change: c.2518A>G on transcript NM_206937.2 (MANE Select); coding-DNA position 2518, A replaced by G.
Protein change: p.Ile840Val; replaces isoleucine 840 with valine.
Molecular consequence: missense variant.
Genome position (GRCh38, 1-based): chr13:108,208,751, T>C on the plus strand (A>G on the coding strand, the complement: LIG4 is on the minus strand). VCF-style: chr13-108208751-T-C. GRCh37 (hg19) VCF-style: chr13-108861099-T-C.
Other names: c.2518A>G, p.Ile840Val (NM_001098268.2, NM_001352598.2, NM_001352599.2 and 6 more transcripts); c.2317A>G, p.Ile773Val (NM_001330595.2); c.2554A>G, p.Ile852Val (NM_001352604.2); short protein forms I840V, I773V, I852V.
Identifiers: ClinVar variation 310976 (VCV000310976.17), dbSNP rs200369995, ClinGen allele CA7043478.
Genomic context (GRCh38, chr13:108,208,751, plus strand): 5'-CTCCCTCAGCTAAACAAGAAACTACTTTTGCTCCATGAAACCGAAGCTCCAAGGCTTTAA[T>C]AGCTAACCTTGTCCCCTCATTTTTGGTACTCAGGTCATTAATAACAGCATACGAGTCCAA-3'
Protein context (NP_996820.1, residues 830-850): STKNEGTRLA[Ile840Val]KALELRFHGA